The following is an entry in ClinVar:

ClinVar aggregate classification (germline): Pathogenic (1 of 4 stars; one submission).

Conditions:
Multiple endocrine neoplasia type 4. Also called: MULTIPLE ENDOCRINE NEOPLASIA, TYPE IV. Identifiers: Orphanet 276152, MedGen C1970712, MONDO:0012552, OMIM 610755.

Submission:

Labcorp Genetics (formerly Invitae), Labcorp
Classification: Pathogenic for Multiple endocrine neoplasia type 4. Last evaluated: 2025-01-14. Review status: criteria provided, single submitter. Criteria: Invitae Variant Classification Sherloc (09022015). Collection method: clinical testing. Allele origin: germline.
Comment: This sequence change creates a premature translational stop signal (p.Gly72Trpfs*53) in the CDKN1B gene. It is expected to result in an absent or disrupted protein product. Loss-of-function variants in CDKN1B are known to be pathogenic (PMID: 17030811, 24819502). This variant is not present in population databases (gnomAD no frequency). This variant has not been reported in the literature in individuals affected with CDKN1B-related conditions. For these reasons, this variant has been classified as Pathogenic.

Literature cited by the submitters: PubMed 17030811; PubMed 24819502.

NM_004064.5(CDKN1B):c.213_214insT (p.Gly72fs)

Gene: CDKN1B (cyclin dependent kinase inhibitor 1B; plus strand). Cytogenetic location: 12p13.1.
Variant type: Insertion.
Coding change: c.213_214insT on transcript NM_004064.5 (MANE Select); coding-DNA positions 213 to 214, T inserted.
Protein change: p.Gly72fs; shifts the reading frame from glycine 72.
Molecular consequence: frameshift variant.
Genome position: GRCh38 VCF-style: chr12-12718052-G-GT. GRCh37 (hg19) VCF-style: chr12-12870986-G-GT.
Other names: short protein forms G72fs.
Identifiers: ClinVar variation 3728999 (VCV003728999.2).